The following is an entry in ClinVar:

NM_006231.4(POLE):c.3777C>A (p.Pro1259=)

Gene: POLE (DNA polymerase epsilon, catalytic subunit; minus strand). Cytogenetic location: 12q24.33.
Variant type: single nucleotide variant.
Coding change: c.3777C>A on transcript NM_006231.4 (MANE Select); coding-DNA position 3777, C replaced by A.
Protein change: p.Pro1259=; no amino-acid change (proline 1259 retained).
Molecular consequence: synonymous variant.
Genome position (GRCh38, 1-based): chr12:132,649,695, G>T on the plus strand (C>A on the coding strand, the complement: POLE is on the minus strand). VCF-style: chr12-132649695-G-T. GRCh37 (hg19) VCF-style: chr12-133226281-G-T.
Identifiers: ClinVar variation 382714 (VCV000382714.3), dbSNP rs770904877, ClinGen allele CA6893117.

ClinVar aggregate classification (germline): Likely benign. Review status: criteria provided, multiple submitters, no conflicts (2 of 4 stars). 2 submissions from 2 submitters: Likely benign (2). Last evaluated 2021-09-13.

Conditions:
Hereditary cancer-predisposing syndrome. Also called: Hereditary Cancer Syndrome; Hereditary neoplastic syndrome; Neoplastic Syndromes, Hereditary; Tumor predisposition. Identifiers: Orphanet 140162, MedGen C0027672, MeSH D009386, MONDO:0015356.

Allele frequency attached by ClinVar (database versions not stated): ExAC 0.00001.
gnomAD v4.1: 10 of 1,614,040 alleles (0.00062%); highest among the groups gnomAD compares: East Asian, 0.0045%; no homozygotes.

Submissions (2):

Ambry Genetics
Classification: Likely benign for Hereditary cancer-predisposing syndrome. Last evaluated: 2021-09-13. Review status: criteria provided, single submitter. Criteria: Ambry Variant Classification Scheme 2023. Collection method: clinical testing. Allele origin: germline.

GeneDx
Classification: Likely benign. Last evaluated: 2015-12-31. Review status: criteria provided, single submitter. Criteria: GeneDx Variant Classification (06012015). Collection method: clinical testing. Allele origin: germline. Affected: yes.
Comment: This variant is considered likely benign or benign based on one or more of the following criteria: it is a conservative change, it occurs at a poorly conserved position in the protein, it is predicted to be benign by multiple in silico algorithms, and/or has population frequency not consistent with disease.